The following is an entry in ClinVar:

NM_002878.4(RAD51D):c.123G>C (p.Gln41His)

Genes: RAD51L3-RFFL (RAD51L3-RFFL readthrough; minus strand), RAD51D (RAD51 paralog D; minus strand). Cytogenetic location: 17q12.
Variant type: single nucleotide variant.
Coding change: c.123G>C on transcript NM_002878.4 (MANE Select); coding-DNA position 123, G replaced by C.
Protein change: p.Gln41His; replaces glutamine 41 with histidine.
Molecular consequence: missense variant. On other transcripts: non-coding transcript variant (2).
Genome position (GRCh38, 1-based): chr17:35,119,132, C>G on the plus strand (G>C on the coding strand, the complement: RAD51D is on the minus strand). VCF-style: chr17-35119132-C-G. GRCh37 (hg19) VCF-style: chr17-33446151-C-G.
Other names: c.123G>C, p.Gln41His (NM_001142571.2, NM_133629.3); short protein forms Q41H.
Identifiers: ClinVar variation 1038568 (VCV001038568.6), dbSNP rs2091788390, ClinGen allele CA399091847.

ClinVar aggregate classification (germline): Uncertain significance (1 of 4 stars; one submission).

Conditions:
Breast-ovarian cancer, familial, susceptibility to, 4. Identifiers: Orphanet 145, MedGen C3280345, MONDO:0013669, OMIM 614291.

gnomAD v4.1: 1 of 1,613,964 alleles (0.000062%); highest among the groups gnomAD compares: Non-Finnish European, 0.000085%; no homozygotes.

Submission:

Labcorp Genetics (formerly Invitae), Labcorp
Classification: Uncertain significance for Breast-ovarian cancer, familial, susceptibility to, 4. Last evaluated: 2020-12-03. Review status: criteria provided, single submitter. Criteria: Invitae Variant Classification Sherloc (09022015). Collection method: clinical testing. Allele origin: germline.
Comment: In summary, the available evidence is currently insufficient to determine the role of this variant in disease. Therefore, it has been classified as a Variant of Uncertain Significance. Algorithms developed to predict the effect of missense changes on protein structure and function are either unavailable or do not agree on the potential impact of this missense change (SIFT: "Deleterious"; PolyPhen-2: "Possibly Damaging"; Align-GVGD: "Class C0"). This variant has not been reported in the literature in individuals with RAD51D-related conditions. This variant is not present in population databases (ExAC no frequency). This sequence change replaces glutamine with histidine at codon 41 of the RAD51D protein (p.Gln41His). The glutamine residue is moderately conserved and there is a small physicochemical difference between glutamine and histidine.